The following is an entry in ClinVar:

NM_004859.4(CLTC):c.2173C>G (p.Pro725Ala)

Gene: CLTC (clathrin heavy chain; plus strand). Cytogenetic location: 17q23.1.
Variant type: single nucleotide variant.
Coding change: c.2173C>G on transcript NM_004859.4 (MANE Select); coding-DNA position 2173, C replaced by G.
Protein change: p.Pro725Ala; replaces proline 725 with alanine.
Molecular consequence: missense variant.
Genome position (GRCh38, 1-based): chr17:59,668,821, C>G. VCF-style: chr17-59668821-C-G. GRCh37 (hg19) VCF-style: chr17-57746182-C-G.
Other names: c.2185C>G, p.Pro729Ala (NM_001288653.2); short protein forms P725A, P729A.
Identifiers: ClinVar variation 3905919 (VCV003905919.10).

ClinVar aggregate classification (germline): Likely benign (1 of 4 stars; one submission).

Submission:

CeGaT Center for Human Genetics Tuebingen
Classification: Likely benign. Last evaluated: 2025-06-01. Review status: criteria provided, single submitter. Criteria: CeGaT Center For Human Genetics Tuebingen Variant Classification Criteria Version 2. Collection method: clinical testing. Allele origin: germline. Affected: yes. Observed: 2 variant alleles.
Comment: CLTC: PM2, PP2, BS2